The following is an entry in ClinVar:

NM_022436.3(ABCG5):c.1259T>G (p.Val420Gly)

Genes: ABCG5 (ATP binding cassette subfamily G member 5; minus strand), DYNC2LI1 (dynein cytoplasmic 2 light intermediate chain 1; plus strand). Cytogenetic location: 2p21.
Variant type: single nucleotide variant.
Coding change: c.1259T>G on transcript NM_022436.3 (MANE Select); coding-DNA position 1259, T replaced by G.
Protein change: p.Val420Gly; replaces valine 420 with glycine.
Molecular consequence: missense variant. On other transcripts: intron variant (2).
Genome position (GRCh38, 1-based): chr2:43,823,978, A>C on the plus strand (T>G on the coding strand, the complement: ABCG5 is on the minus strand). VCF-style: chr2-43823978-A-C. GRCh37 (hg19) VCF-style: chr2-44051117-A-C.
Other names: c.*16-3408A>C (NM_001348913.2, NM_001348912.2); short protein forms V420G.
Identifiers: ClinVar variation 2082738 (VCV002082738.2), dbSNP rs773630787, ClinGen allele CA1636349.

ClinVar aggregate classification (germline): Uncertain significance. Review status: criteria provided, multiple submitters, no conflicts (2 of 4 stars). 2 submissions from 2 submitters: Uncertain significance (2). Last evaluated 2023-11-09.

Conditions:
Cardiovascular phenotype. Identifiers: MedGen CN230736.
Sitosterolemia (STSL). Also called: PHYTOSTEROLEMIA. Identifiers: Orphanet 2882, MedGen C0342907, MONDO:0008863.

Allele frequency attached by ClinVar (database versions not stated): ExAC 0.00012; gnomAD exomes 0.00007; gnomAD 0.00002.
gnomAD v4.1: 98 of 1,614,230 alleles (0.0061%); highest among the groups gnomAD compares: South Asian, 0.1%; 2 homozygotes.

Submissions (2):

Ambry Genetics
Classification: Uncertain significance for Cardiovascular phenotype. Last evaluated: 2023-11-09. Review status: criteria provided, single submitter. Criteria: Ambry Variant Classification Scheme 2023. Collection method: clinical testing. Allele origin: germline.
Comment: The p.V420G variant (also known as c.1259T>G), located in coding exon 9 of the ABCG5 gene, results from a T to G substitution at nucleotide position 1259. The valine at codon 420 is replaced by glycine, an amino acid with dissimilar properties. This amino acid position is conserved. In addition, the in silico prediction for this alteration is inconclusive. Since supporting evidence is limited at this time, the clinical significance of this alteration remains unclear.

Labcorp Genetics (formerly Invitae), Labcorp
Classification: Uncertain significance for Sitosterolemia. Last evaluated: 2022-01-15. Review status: criteria provided, single submitter. Criteria: Invitae Variant Classification Sherloc (09022015). Collection method: clinical testing. Allele origin: germline.
Comment: This sequence change replaces valine, which is neutral and non-polar, with glycine, which is neutral and non-polar, at codon 420 of the ABCG5 protein (p.Val420Gly). This variant is present in population databases (rs773630787, gnomAD 0.1%), including at least one homozygous and/or hemizygous individual. This variant has not been reported in the literature in individuals affected with ABCG5-related conditions. Algorithms developed to predict the effect of missense changes on protein structure and function are either unavailable or do not agree on the potential impact of this missense change (SIFT: "Deleterious"; PolyPhen-2: "Probably Damaging"; Align-GVGD: "Class C0"). In summary, the available evidence is currently insufficient to determine the role of this variant in disease. Therefore, it has been classified as a Variant of Uncertain Significance.